The following is an entry in ClinVar:

NM_001042492.3(NF1):c.5252C>T (p.Thr1751Ile)

Gene: NF1 (neurofibromin 1; plus strand). Cytogenetic location: 17q11.2.
Variant type: single nucleotide variant.
Coding change: c.5252C>T on transcript NM_001042492.3 (MANE Select); coding-DNA position 5252, C replaced by T.
Protein change: p.Thr1751Ile; replaces threonine 1751 with isoleucine.
Molecular consequence: missense variant.
Genome position (GRCh38, 1-based): chr17:31,326,236, C>T. VCF-style: chr17-31326236-C-T. GRCh37 (hg19) VCF-style: chr17-29653254-C-T.
Other names: c.5189C>T, p.Thr1730Ile (NM_000267.4); short protein forms T1730I, T1751I.
Identifiers: ClinVar variation 1745894 (VCV001745894.6), dbSNP rs2151539068, ClinGen allele CA399008359.

ClinVar aggregate classification (germline): Uncertain significance. Review status: criteria provided, multiple submitters, no conflicts (2 of 4 stars). 2 submissions from 2 submitters: Uncertain significance (2). Last evaluated 2025-05-28.

Conditions:
Cardiovascular phenotype. Identifiers: MedGen CN230736.
Hereditary cancer-predisposing syndrome. Also called: Neoplastic Syndromes, Hereditary; Tumor predisposition; Hereditary Cancer Syndrome; Hereditary neoplastic syndrome. Identifiers: Orphanet 140162, MedGen C0027672, MeSH D009386, MONDO:0015356.
Neurofibromatosis, type 1 (NF1). Also called: VON RECKLINGHAUSEN DISEASE; NEUROFIBROMATOSIS, TYPE I, SOMATIC; Neurofibromatosis, type I; Peripheral type neurofibromatosis. Identifiers: Orphanet 636, MedGen C0027831, MONDO:0018975, OMIM 162200. Disease mechanism: loss of function.

Submissions (2):

Ambry Genetics
Classification: Uncertain significance for Cardiovascular phenotype; Hereditary cancer-predisposing syndrome. Last evaluated: 2025-05-28. Review status: criteria provided, single submitter. Criteria: Ambry Variant Classification Scheme 2023. Collection method: clinical testing. Allele origin: germline.
Comment: The p.T1730I variant (also known as c.5189C>T), located in coding exon 36 of the NF1 gene, results from a C to T substitution at nucleotide position 5189. The threonine at codon 1730 is replaced by isoleucine, an amino acid with similar properties. This amino acid position is conserved. In addition, the in silico prediction for this alteration is inconclusive. Since supporting evidence is limited at this time, the clinical significance of this alteration remains unclear.

Labcorp Genetics (formerly Invitae), Labcorp
Classification: Uncertain significance for Neurofibromatosis, type 1. Last evaluated: 2023-10-12. Review status: criteria provided, single submitter. Criteria: Invitae Variant Classification Sherloc (09022015). Collection method: clinical testing. Allele origin: germline.
Comment: This sequence change replaces threonine, which is neutral and polar, with isoleucine, which is neutral and non-polar, at codon 1730 of the NF1 protein (p.Thr1730Ile). This variant is not present in population databases (gnomAD no frequency). This variant has not been reported in the literature in individuals affected with NF1-related conditions. ClinVar contains an entry for this variant (Variation ID: 1745894). Advanced modeling of protein sequence and biophysical properties (such as structural, functional, and spatial information, amino acid conservation, physicochemical variation, residue mobility, and thermodynamic stability) has been performed at Invitae for this missense variant, however the output from this modeling did not meet the statistical confidence thresholds required to predict the impact of this variant on NF1 protein function. In summary, the available evidence is currently insufficient to determine the role of this variant in disease. Therefore, it has been classified as a Variant of Uncertain Significance.